The following is an entry in ClinVar:

ClinVar aggregate classification (germline): Uncertain significance (1 of 4 stars; one submission).

Allele frequency attached by ClinVar (database versions not stated): gnomAD 0.00001; gnomAD exomes 0.00001; TOPMed 0.00001; ExAC 0.00002; 1000 Genomes Project 30x 0.00016; 1000 Genomes Project 0.00020.
gnomAD v4.1: 10 of 1,613,294 alleles (0.00062%); highest among the groups gnomAD compares: South Asian, 0.0022%; no homozygotes.

Submission:

Labcorp Genetics (formerly Invitae), Labcorp
Classification: Uncertain significance. Last evaluated: 2025-11-03. Review status: criteria provided, single submitter. Criteria: Invitae Variant Classification Sherloc (09022015). Collection method: clinical testing. Allele origin: germline.
Comment: This sequence change falls in intron 41 of the MYO18B gene. It does not directly change the encoded amino acid sequence of the MYO18B protein. This variant is present in population databases (rs530808211, gnomAD 0.007%). This variant has not been reported in the literature in individuals affected with MYO18B-related conditions. ClinVar contains an entry for this variant (Variation ID: 1896790). Algorithms developed to predict the effect of sequence changes on RNA splicing suggest that this variant may disrupt the consensus splice site. In summary, the available evidence is currently insufficient to determine the role of this variant in disease. Therefore, it has been classified as a Variant of Uncertain Significance.

NM_032608.7(MYO18B):c.6333-12A>G

Gene: MYO18B (myosin XVIIIB; plus strand). Cytogenetic location: 22q12.1.
Variant type: single nucleotide variant.
Coding change: c.6333-12A>G on transcript NM_032608.7 (MANE Select); 12 bases into the intron before coding-DNA position 6333, A replaced by G.
Molecular consequence: intron variant.
Genome position (GRCh38, 1-based): chr22:26,004,706, A>G. VCF-style: chr22-26004706-A-G. GRCh37 (hg19) VCF-style: chr22-26400672-A-G.
Other names: c.6336-12A>G (NM_001318245.2).
Identifiers: ClinVar variation 1896790 (VCV001896790.3), dbSNP rs530808211, ClinGen allele CA10161503.